The following is an entry in ClinVar:

NM_006421.5(ARFGEF1):c.2493T>G (p.Ile831Met)

Gene: ARFGEF1 (ARF guanine nucleotide exchange factor 1; minus strand). Cytogenetic location: 8q13.2.
Variant type: single nucleotide variant.
Coding change: c.2493T>G on transcript NM_006421.5 (MANE Select); coding-DNA position 2493, T replaced by G.
Protein change: p.Ile831Met; replaces isoleucine 831 with methionine.
Molecular consequence: missense variant. On other transcripts: non-coding transcript variant (1).
Genome position (GRCh38, 1-based): chr8:67,257,765, A>C on the plus strand (T>G on the coding strand, the complement: ARFGEF1 is on the minus strand). VCF-style: chr8-67257765-A-C. GRCh37 (hg19) VCF-style: chr8-68170000-A-C.
Other names: c.2493T>G, p.Ile831Met (NM_001413184.1, NM_001413185.1, NM_001413186.1 and 7 more transcripts); c.1893T>G, p.Ile631Met (NM_001413188.1, NM_001413193.1, NM_001413197.1); c.1068T>G, p.Ile356Met (NM_001413196.1); short protein forms I356M, I631M, I831M.
Identifiers: ClinVar variation 5007341 (VCV005007341.2).
Genomic context (GRCh38, chr8:67,257,765, plus strand): 5'-GTAAAACTGACTTAAAAGAAAACATACCTGTGGACTGTGAAGGTCTGTGGTCAACATGAT[A>C]ATTGAATAAGCCAAAACATAAGCTGTATCCGCACTAGCAAAGAGAGTTTGTCTGGAAAAA-3'
Protein context (NP_006412.2, residues 821-841): ADTAYVLAYS[Ile831Met]IMLTTDLHSP

ClinVar aggregate classification (germline): Uncertain significance (1 of 4 stars; one submission).

Conditions:
Developmental delay, impaired speech, and behavioral abnormalities, with or without seizures (DEDISB). Identifiers: MedGen C5575272, MONDO:0859263, OMIM 619964.

Submission:

Juno Genomics, Hangzhou Juno Genomics, Inc
Classification: Uncertain significance for Developmental delay, impaired speech, and behavioral abnormalities, with or without seizures. Review status: criteria provided, single submitter. Criteria: ACMG Guidelines, 2015. Collection method: clinical testing. Allele origin: germline.
Comment: Absent from controls (or at extremely low frequency if recessive) in Genome Aggregation Database.;Missense variant in a gene that has a low rate of benign missense variation.